The following is an entry in ClinVar:

NM_024301.5(FKRP):c.740C>G (p.Pro247Arg)

Gene: FKRP (fukutin related protein; plus strand). Cytogenetic location: 19q13.32.
Variant type: single nucleotide variant.
Coding change: c.740C>G on transcript NM_024301.5 (MANE Select); coding-DNA position 740, C replaced by G.
Protein change: p.Pro247Arg; replaces proline 247 with arginine.
Molecular consequence: missense variant.
Genome position (GRCh38, 1-based): chr19:46,756,190, C>G. VCF-style: chr19-46756190-C-G. GRCh37 (hg19) VCF-style: chr19-47259447-C-G.
Other names: c.740C>G, p.Pro247Arg (NM_001039885.3); short protein forms P247R.
Identifiers: ClinVar variation 528826 (VCV000528826.6), dbSNP rs528000488, ClinGen allele CA406495919.

ClinVar aggregate classification (germline): Uncertain significance (1 of 4 stars; one submission).

Conditions:
Walker-Warburg congenital muscular dystrophy. Also called: Muscular dystrophy-dystroglycanopathy, type A; Walker-Warburg syndrome. Identifiers: Orphanet 899, MedGen C0265221, MONDO:0000171.

Submission:

Labcorp Genetics (formerly Invitae), Labcorp
Classification: Uncertain significance for Walker-Warburg congenital muscular dystrophy. Last evaluated: 2021-08-30. Review status: criteria provided, single submitter. Criteria: Invitae Variant Classification Sherloc (09022015). Collection method: clinical testing. Allele origin: germline.
Comment: This sequence change replaces proline with arginine at codon 247 of the FKRP protein (p.Pro247Arg). The proline residue is moderately conserved and there is a moderate physicochemical difference between proline and arginine. The frequency data for this variant in the population databases is considered unreliable, as metrics indicate insufficient coverage at this position in the ExAC database. This variant has not been reported in the literature in individuals affected with FKRP-related conditions. Algorithms developed to predict the effect of missense changes on protein structure and function are either unavailable or do not agree on the potential impact of this missense change (SIFT: "Deleterious"; PolyPhen-2: "Possibly Damaging"; Align-GVGD: "Class C0"). In summary, the available evidence is currently insufficient to determine the role of this variant in disease. Therefore, it has been classified as a Variant of Uncertain Significance.